The following is an entry in ClinVar:

NM_004654.4(USP9Y):c.3433C>T (p.Arg1145Ter)

Gene: USP9Y (ubiquitin specific peptidase 9 Y-linked; plus strand). Cytogenetic location: Yq11.221.
Variant type: single nucleotide variant.
Coding change: c.3433C>T on transcript NM_004654.4 (MANE Select); coding-DNA position 3433, C replaced by T.
Protein change: p.Arg1145Ter; replaces arginine 1145 with a stop codon.
Molecular consequence: nonsense.
Genome position (GRCh38, 1-based): chrY:12,786,672, C>T. VCF-style: chrY-12786672-C-T. GRCh37 (hg19) VCF-style: chrY-14898605-C-T.
Other names: short protein forms R1145*.
Identifiers: ClinVar variation 3026627 (VCV003026627.22), dbSNP rs2521693028, ClinGen allele CA414982805.

ClinVar aggregate classification (germline): Uncertain significance (1 of 4 stars; one submission).

Submission:

CeGaT Center for Human Genetics Tuebingen
Classification: Uncertain significance. Last evaluated: 2023-12-01. Review status: criteria provided, single submitter. Criteria: CeGaT Center For Human Genetics Tuebingen Variant Classification Criteria Version 2. Collection method: clinical testing. Allele origin: germline. Affected: yes. Observed: 1 variant allele.
Comment: USP9Y: PM2